The following is an entry in ClinVar:

NM_199420.4(POLQ):c.7580G>T (p.Cys2527Phe)

Gene: POLQ (DNA polymerase theta; minus strand). Cytogenetic location: 3q13.33.
Variant type: single nucleotide variant.
Coding change: c.7580G>T on transcript NM_199420.4 (MANE Select); coding-DNA position 7580, G replaced by T.
Protein change: p.Cys2527Phe; replaces cysteine 2527 with phenylalanine.
Molecular consequence: missense variant.
Genome position (GRCh38, 1-based): chr3:121,432,997, C>A on the plus strand (G>T on the coding strand, the complement: POLQ is on the minus strand). VCF-style: chr3-121432997-C-A. GRCh37 (hg19) VCF-style: chr3-121151844-C-A.
Other names: short protein forms C2527F.
Identifiers: ClinVar variation 1759622 (VCV001759622.2), dbSNP rs943784048, ClinGen allele CA354093888.
Genomic context (GRCh38, chr3:121,432,997, plus strand): 5'-GCCACTTCATATAGGAGTTCATCATGGAGTTGAAGGATGAAGAAGCCTCCTCTGATTGGG[C>A]AGAACATCCCTTGCAGTTTTCTCTTTCGTGACAATCCTACTTCATGAAAAAGGAGCAAAA-3'
Protein context (NP_955452.3, residues 2517-2537): SRKRKLQGMF[Cys2527Phe]PIRGGFFILQ

ClinVar aggregate classification (germline): Uncertain significance (1 of 4 stars; one submission).

Submission:

Ambry Genetics
Classification: Uncertain significance. Last evaluated: 2022-01-26. Review status: criteria provided, single submitter. Criteria: Ambry Variant Classification Scheme 2023. Collection method: clinical testing. Allele origin: germline.
Comment: The p.C2527F variant (also known as c.7580G>T), located in coding exon 29 of the POLQ gene, results from a G to T substitution at nucleotide position 7580. The cysteine at codon 2527 is replaced by phenylalanine, an amino acid with highly dissimilar properties. This amino acid position is conserved. In addition, this alteration is predicted to be tolerated by in silico analysis. Since supporting evidence is limited at this time, the clinical significance of this alteration remains unclear.